The following is an entry in ClinVar:

ClinVar aggregate classification (germline): Uncertain significance (1 of 4 stars; one submission).

Conditions:
Cutis laxa, autosomal dominant 3 (ADCL3). Identifiers: Orphanet 90348, MedGen C4225268, MONDO:0014706, OMIM 616603.
Autosomal dominant spastic paraplegia type 9. Identifiers: MedGen C1832669, MONDO:0015091.
de Barsy syndrome. Also called: Cutis laxa-corneal clouding-oligophrenia syndrome. Identifiers: Orphanet 2962, MedGen C0268354, MONDO:0017569.

Allele frequency attached by ClinVar (database versions not stated): gnomAD exomes below 0.00001.

Submission:

Labcorp Genetics (formerly Invitae), Labcorp
Classification: Uncertain significance for Autosomal dominant spastic paraplegia type 9; de Barsy syndrome; Cutis laxa, autosomal dominant 3. Last evaluated: 2023-05-16. Review status: criteria provided, single submitter. Criteria: Invitae Variant Classification Sherloc (09022015). Collection method: clinical testing. Allele origin: germline.
Comment: This sequence change replaces aspartic acid, which is acidic and polar, with glycine, which is neutral and non-polar, at codon 279 of the ALDH18A1 protein (p.Asp279Gly). In summary, the available evidence is currently insufficient to determine the role of this variant in disease. Therefore, it has been classified as a Variant of Uncertain Significance. Advanced modeling of protein sequence and biophysical properties (such as structural, functional, and spatial information, amino acid conservation, physicochemical variation, residue mobility, and thermodynamic stability) has been performed at Invitae for this missense variant, however the output from this modeling did not meet the statistical confidence thresholds required to predict the impact of this variant on ALDH18A1 protein function. This variant has not been reported in the literature in individuals affected with ALDH18A1-related conditions. This variant is not present in population databases (gnomAD no frequency).

NM_002860.4(ALDH18A1):c.836A>G (p.Asp279Gly)

Gene: ALDH18A1 (aldehyde dehydrogenase 18 family member A1; minus strand). Cytogenetic location: 10q24.1.
Variant type: single nucleotide variant.
Coding change: c.836A>G on transcript NM_002860.4 (MANE Select); coding-DNA position 836, A replaced by G.
Protein change: p.Asp279Gly; replaces aspartic acid 279 with glycine.
Molecular consequence: missense variant.
Genome position (GRCh38, 1-based): chr10:95,628,465, T>C on the plus strand (A>G on the coding strand, the complement: ALDH18A1 is on the minus strand). VCF-style: chr10-95628465-T-C. GRCh37 (hg19) VCF-style: chr10-97388222-T-C.
Other names: c.830A>G, p.Asp277Gly (NM_001017423.2, NM_001323415.2); c.503A>G, p.Asp168Gly (NM_001323412.2, NM_001323416.2); c.836A>G, p.Asp279Gly (NM_001323413.2, NM_001323414.2); c.731A>G, p.Asp244Gly (NM_001323417.2); c.497A>G, p.Asp166Gly (NM_001323418.2); c.200A>G, p.Asp67Gly (NM_001323419.2); short protein forms D166G, D168G, D277G, D244G, D279G, D67G.
Identifiers: ClinVar variation 2947845 (VCV002947845.3), dbSNP rs2526836928, ClinGen allele CA377704189.